The following is an entry in ClinVar:

NM_001374736.1(DST):c.4822A>T (p.Ile1608Phe)

Gene: DST (dystonin; minus strand). Cytogenetic location: 6p12.1.
Variant type: single nucleotide variant.
Coding change: c.4822A>T on transcript NM_001374736.1 (MANE Select); coding-DNA position 4822, A replaced by T.
Protein change: p.Ile1608Phe; replaces isoleucine 1608 with phenylalanine.
Molecular consequence: missense variant.
Genome position (GRCh38, 1-based): chr6:56,625,165, T>A on the plus strand (A>T on the coding strand, the complement: DST is on the minus strand). VCF-style: chr6-56625165-T-A. GRCh37 (hg19) VCF-style: chr6-56489963-T-A.
Other names: c.4723A>T, p.Ile1575Phe (NM_001144769.5); c.4309A>T, p.Ile1437Phe (NM_001144770.2); c.4822A>T, p.Ile1608Phe (NM_001374722.1); c.4189A>T, p.Ile1397Phe (NM_001374729.1, NM_001374730.1, NM_001386100.1 and 1 more transcripts); c.4849A>T, p.Ile1617Phe (NM_001374734.1); c.3211A>T, p.Ile1071Phe (NM_001723.7, NM_015548.5); short protein forms I1437F, I1617F, I1575F, I1608F, I1397F, I1071F.
Identifiers: ClinVar variation 1488996 (VCV001488996.5), dbSNP rs1344293062, ClinGen allele CA364572688.

ClinVar aggregate classification (germline): Uncertain significance (1 of 4 stars; one submission).

Conditions:
Hereditary sensory and autonomic neuropathy type 6. Also called: HSAN VI; Neuropathy, hereditary sensory and autonomic, type VI. Identifiers: Orphanet 314381, MedGen C3539003, MONDO:0013839, OMIM 614653.
Epidermolysis bullosa simplex 3, localized or generalized intermediate, with BP230 deficiency (EBS3). Also called: Epidermolysis bullosa simplex, autosomal recessive 2; Epidermolysis bullosa simplex due to BP230 deficiency. Identifiers: Orphanet 412181, MedGen C3809470, MONDO:0014180, OMIM 615425.

Allele frequency attached by ClinVar (database versions not stated): gnomAD 0.00001; TOPMed 0.00002.
gnomAD v4.1: 4 of 1,608,700 alleles (0.00025%); highest among the groups gnomAD compares: Non-Finnish European, 0.00034%; no homozygotes.

Submission:

Labcorp Genetics (formerly Invitae), Labcorp
Classification: Uncertain significance for Epidermolysis bullosa simplex 3, localized or generalized intermediate, with BP230 deficiency; Hereditary sensory and autonomic neuropathy type 6. Last evaluated: 2021-08-26. Review status: criteria provided, single submitter. Criteria: Invitae Variant Classification Sherloc (09022015). Collection method: clinical testing. Allele origin: germline.
Comment: This sequence change replaces isoleucine with phenylalanine at codon 1071 of the DST protein (p.Ile1071Phe). The isoleucine residue is highly conserved and there is a small physicochemical difference between isoleucine and phenylalanine. This variant is not present in population databases (ExAC no frequency). This variant has not been reported in the literature in individuals affected with DST-related conditions. Algorithms developed to predict the effect of missense changes on protein structure and function are either unavailable or do not agree on the potential impact of this missense change (SIFT: "Deleterious"; PolyPhen-2: "Benign"; Align-GVGD: "Class C15"). In summary, the available evidence is currently insufficient to determine the role of this variant in disease. Therefore, it has been classified as a Variant of Uncertain Significance.